The following is an entry in ClinVar:

ClinVar aggregate classification (germline): Conflicting classifications of pathogenicity. Review status: criteria provided, conflicting classifications (1 of 4 stars). 3 submissions from 3 submitters: Pathogenic (1); Uncertain significance (2). Last evaluated 2026-04-24.

Conditions:
Inborn genetic diseases. Identifiers: MedGen C0950123, MeSH D030342.
Congenital muscular hypertrophy-cerebral syndrome (CDLS2). Also called: Cornelia de Lange syndrome 2; SMC1A-Related Cornelia de Lange Syndrome. Identifiers: Orphanet 199, MedGen C1802395, MONDO:0010370, OMIM 300590.

Submissions (3):

Ambry Genetics
Classification: Uncertain significance for Inborn genetic diseases. Last evaluated: 2026-04-24. Review status: criteria provided, single submitter. Criteria: Ambry Variant Classification Scheme 2023. Collection method: clinical testing. Allele origin: germline.
Comment: The c.3178G>A (p.E1060K) alteration is located in exon 21 (coding exon 21) of the SMC1A gene. This alteration results from a G to A substitution at nucleotide position 3178, causing the glutamic acid (E) at amino acid position 1060 to be replaced by a lysine (K). This variant was not reported in population-based cohorts in the Genome Aggregation Database (gnomAD). This variant was reported hemizygous in an individual with features consistent with Cornelia de Lange syndrome (Jang, 2015). This amino acid position is highly conserved in available vertebrate species. This missense variant is located in a region that has a low rate of benign missense variation (Lek, 2016; Firth, 2009). The in silico prediction for this alteration is inconclusive. Based on insufficient or conflicting evidence, the clinical significance of this alteration remains unclear.

GeneDx
Classification: Pathogenic. Last evaluated: 2023-06-23. Review status: criteria provided, single submitter. Criteria: GeneDx Variant Classification Process June 2021. Collection method: clinical testing. Allele origin: germline. Affected: yes.
Comment: In silico analysis supports that this missense variant has a deleterious effect on protein structure/function; Missense variants in this gene are often considered pathogenic (HGMD); Not observed at significant frequency in large population cohorts (gnomAD); This variant is associated with the following publications: (PMID: 26354354, 28548707, 24077912)

Labcorp Genetics (formerly Invitae), Labcorp
Classification: Uncertain significance for Congenital muscular hypertrophy-cerebral syndrome. Last evaluated: 2019-02-02. Review status: criteria provided, single submitter. Criteria: Invitae Variant Classification Sherloc (09022015). Collection method: clinical testing. Allele origin: germline.
Comment: This sequence change replaces glutamic acid with lysine at codon 1060 of the SMC1A protein (p.Glu1060Lys). The glutamic acid residue is moderately conserved and there is a small physicochemical difference between glutamic acid and lysine. This variant is not present in population databases (ExAC no frequency). This variant has been observed to segregate with Cornelia de Lange syndrome and/or intellectual disability in a family (PMID: 26354354). ClinVar contains an entry for this variant (Variation ID: 384321). Algorithms developed to predict the effect of missense changes on protein structure and function are either unavailable or do not agree on the potential impact of this missense change (SIFT: "Tolerated"; PolyPhen-2: "Probably Damaging"; Align-GVGD: "Class C0"). In summary, the available evidence is currently insufficient to determine the role of this variant in disease. Therefore, it has been classified as a Variant of Uncertain Significance.

Literature cited by the submitters: PubMed 26354354 (cited by Ambry Genetics and Labcorp Genetics (formerly Invitae), Labcorp).

NM_006306.4(SMC1A):c.3178G>A (p.Glu1060Lys)

Gene: SMC1A (structural maintenance of chromosomes 1A; minus strand). Cytogenetic location: Xp11.22.
Variant type: single nucleotide variant.
Coding change: c.3178G>A on transcript NM_006306.4 (MANE Select); coding-DNA position 3178, G replaced by A.
Protein change: p.Glu1060Lys; replaces glutamic acid 1060 with lysine.
Molecular consequence: missense variant.
Genome position (GRCh38, 1-based): chrX:53,382,613, C>T on the plus strand (G>A on the coding strand, the complement: SMC1A is on the minus strand). VCF-style: chrX-53382613-C-T. GRCh37 (hg19) VCF-style: chrX-53409534-C-T.
Other names: c.3112G>A, p.Glu1038Lys (NM_001281463.1); short protein forms E1038K, E1060K.
Identifiers: ClinVar variation 384321 (VCV000384321.5), dbSNP rs1057521921, ClinGen allele CA16608532.